The following is an entry in ClinVar:

ClinVar aggregate classification (germline): Uncertain significance (1 of 4 stars; one submission).

Submission:

Labcorp Genetics (formerly Invitae), Labcorp
Classification: Uncertain significance. Last evaluated: 2022-10-19. Review status: criteria provided, single submitter. Criteria: Invitae Variant Classification Sherloc (09022015). Collection method: clinical testing. Allele origin: germline.
Comment: This variant has not been reported in the literature in individuals affected with ATP5D-related conditions. This variant is not present in population databases (gnomAD no frequency). This sequence change replaces leucine, which is neutral and non-polar, with valine, which is neutral and non-polar, at codon 6 of the ATP5D protein (p.Leu6Val). In summary, the available evidence is currently insufficient to determine the role of this variant in disease. Therefore, it has been classified as a Variant of Uncertain Significance. Algorithms developed to predict the effect of missense changes on protein structure and function output the following: SIFT: "Tolerated"; PolyPhen-2: "Not Available"; Align-GVGD: "Class C0". The valine amino acid residue is found in multiple mammalian species, which suggests that this missense change does not adversely affect protein function.

NM_001687.5(ATP5F1D):c.16C>G (p.Leu6Val)

Gene: ATP5F1D (ATP synthase F1 subunit delta; plus strand). Cytogenetic location: 19p13.3.
Variant type: single nucleotide variant.
Coding change: c.16C>G on transcript NM_001687.5 (MANE Select); coding-DNA position 16, C replaced by G.
Protein change: p.Leu6Val; replaces leucine 6 with valine.
Molecular consequence: missense variant.
Genome position (GRCh38, 1-based): chr19:1,241,866, C>G. VCF-style: chr19-1241866-C-G. GRCh37 (hg19) VCF-style: chr19-1241865-C-G.
Other names: c.16C>G, p.Leu6Val (NM_001001975.2); short protein forms L6V.
Identifiers: ClinVar variation 2075752 (VCV002075752.4), dbSNP rs2512987304, ClinGen allele CA402978624.
Genomic context (GRCh38, chr19:1,241,866, plus strand): 5'-GTCCGCTGTCCGCCAGCTACCCGCTTCCTGCCGCCCGCCGCTGCCATGCTGCCCGCCGCG[C>G]TGCTCCGCCGCCCGGGACTTGGCCGCCTCGTCCGCCACGCCCGTGCCTATGCCGAGGCCG-3'
Protein context (NP_001678.1, residues 1-16): MLPAA[Leu6Val]LRRPGLGRLV